The following is an entry in ClinVar:

ClinVar aggregate classification (germline): Uncertain significance. Review status: criteria provided, multiple submitters, no conflicts (2 of 4 stars). 2 submissions from 2 submitters: Uncertain significance (2). Last evaluated 2026-02-01.

Allele frequency attached by ClinVar (database versions not stated): ExAC 0.00003; gnomAD 0.00003 and 0.00004; gnomAD exomes 0.00003 and 0.00014; ESP Exome Variant Server 0.00008.
gnomAD v4.1: 209 of 1,612,676 alleles (0.013%); highest among the groups gnomAD compares: Non-Finnish European, 0.017%; no homozygotes.

Submissions (2):

Labcorp Genetics (formerly Invitae), Labcorp
Classification: Uncertain significance. Last evaluated: 2026-02-01. Review status: criteria provided, single submitter. Criteria: Invitae Variant Classification Sherloc (09022015). Collection method: clinical testing. Allele origin: germline.
Comment: This sequence change replaces arginine, which is basic and polar, with glutamine, which is neutral and polar, at codon 130 of the SMAD2 protein (p.Arg130Gln). This variant is present in population databases (rs372254986, gnomAD 0.006%). This variant has not been reported in the literature in individuals affected with SMAD2-related conditions. ClinVar contains an entry for this variant (Variation ID: 1517050). Invitae Evidence Modeling of protein sequence and biophysical properties (such as structural, functional, and spatial information, amino acid conservation, physicochemical variation, residue mobility, and thermodynamic stability) indicates that this missense variant is not expected to disrupt SMAD2 protein function with a negative predictive value of 80%. In summary, the available evidence is currently insufficient to determine the role of this variant in disease. Therefore, it has been classified as a Variant of Uncertain Significance.

GeneDx
Classification: Uncertain significance. Last evaluated: 2024-07-26. Review status: criteria provided, single submitter. Criteria: GeneDx Variant Classification Process June 2021. Collection method: clinical testing. Allele origin: germline. Affected: yes.
Comment: Has not been previously published as pathogenic or benign to our knowledge; In silico analysis supports that this missense variant has a deleterious effect on protein structure/function

NM_005901.6(SMAD2):c.389G>A (p.Arg130Gln)

Gene: SMAD2 (SMAD family member 2; minus strand). Cytogenetic location: 18q21.1.
Variant type: single nucleotide variant.
Coding change: c.389G>A on transcript NM_005901.6 (MANE Select); coding-DNA position 389, G replaced by A.
Protein change: p.Arg130Gln; replaces arginine 130 with glutamine.
Molecular consequence: missense variant.
Genome position (GRCh38, 1-based): chr18:47,869,374, C>T on the plus strand (G>A on the coding strand, the complement: SMAD2 is on the minus strand). VCF-style: chr18-47869374-C-T. GRCh37 (hg19) VCF-style: chr18-45395745-C-T.
Other names: c.389G>A (NM_005901.5); c.389G>A, p.Arg130Gln (NM_001003652.4); c.299G>A, p.Arg100Gln (NM_001135937.3); short protein forms R100Q, R130Q.
Identifiers: ClinVar variation 1517050 (VCV001517050.8), dbSNP rs372254986, ClinGen allele CA8956268.